The following is an entry in ClinVar:

ClinVar aggregate classification (germline): Uncertain significance. Review status: criteria provided, multiple submitters, no conflicts (2 of 4 stars). 2 submissions from 2 submitters: Uncertain significance (2). Last evaluated 2025-12-26.

gnomAD v4.1: 8 of 1,612,588 alleles (0.0005%); highest among the groups gnomAD compares: Admixed American, 0.0067%; no homozygotes.

Submissions (2):

Labcorp Genetics (formerly Invitae), Labcorp
Classification: Uncertain significance. Last evaluated: 2025-12-26. Review status: criteria provided, single submitter. Criteria: Invitae Variant Classification Sherloc (09022015). Collection method: clinical testing. Allele origin: germline.
Comment: This sequence change replaces isoleucine, which is neutral and non-polar, with leucine, which is neutral and non-polar, at codon 2529 of the HMCN1 protein (p.Ile2529Leu). This variant is present in population databases (rs145591176, gnomAD 0.006%). This variant has not been reported in the literature in individuals affected with HMCN1-related conditions. ClinVar contains an entry for this variant (Variation ID: 1958153). An algorithm developed to predict the effect of missense changes on protein structure and function outputs the following: PolyPhen-2: "Benign". The leucine amino acid residue is found in multiple mammalian species, which suggests that this missense change does not adversely affect protein function. In summary, the available evidence is currently insufficient to determine the role of this variant in disease. Therefore, it has been classified as a Variant of Uncertain Significance.

Ambry Genetics
Classification: Uncertain significance. Last evaluated: 2024-05-20. Review status: criteria provided, single submitter. Criteria: Ambry Variant Classification Scheme 2023. Collection method: clinical testing. Allele origin: germline.

NM_031935.3(HMCN1):c.7585A>T (p.Ile2529Leu)

Gene: HMCN1 (hemicentin 1; plus strand). Cytogenetic location: 1q31.1.
Variant type: single nucleotide variant.
Coding change: c.7585A>T on transcript NM_031935.3 (MANE Select); coding-DNA position 7585, A replaced by T.
Protein change: p.Ile2529Leu; replaces isoleucine 2529 with leucine.
Molecular consequence: missense variant.
Genome position (GRCh38, 1-based): chr1:186,065,309, A>T. VCF-style: chr1-186065309-A-T. GRCh37 (hg19) VCF-style: chr1-186034441-A-T.
Other names: c.7585A>T (NM_031935.2); short protein forms I2529L.
Identifiers: ClinVar variation 1958153 (VCV001958153.6), dbSNP rs145591176, ClinGen allele CA1292894.